The following is an entry in ClinVar:

ClinVar aggregate classification (germline): Likely benign. Review status: criteria provided, multiple submitters, no conflicts (2 of 4 stars). 3 submissions from 3 submitters: Likely benign (2). 1 of the submissions does not count toward it. Last evaluated 2024-12-02.

Conditions:
Inborn genetic diseases. Identifiers: MedGen C0950123, MeSH D030342.
Amyotrophic lateral sclerosis type 1 (ALS1). Also called: AMYOTROPHIC LATERAL SCLEROSIS 1, FAMILIAL. Identifiers: Orphanet 803, MedGen C1862939, MONDO:0007103, OMIM 105400.
Perry syndrome. Also called: PARKINSONISM WITH ALVEOLAR HYPOVENTILATION AND MENTAL DEPRESSION. Identifiers: Orphanet 178509, MedGen C1868594, MONDO:0008201, OMIM 168605.
Neuronopathy, distal hereditary motor, type 7B. Also called: Distal Hereditary Motor Neuronopathy Type 7B (dHMN7B); NEURONOPATHY, DISTAL HEREDITARY MOTOR, AUTOSOMAL DOMINANT 14; NEURONOPATHY, DISTAL HEREDITARY MOTOR, HARDING TYPE VIIB; NEUROPATHY, DISTAL HEREDITARY MOTOR, HARDING TYPE VIIB; NEUROPATHY, DISTAL HEREDITARY MOTOR, WITH VOCAL CORD PARALYSIS, HARDING TYPE VIIB; HMN VIIB. Identifiers: Orphanet 139589, MedGen C1843315, MONDO:0011879, OMIM 607641.
DCTN1-related disorder. Also called: DCTN1-related condition.

Allele frequency attached by ClinVar (database versions not stated): gnomAD 0.00001; gnomAD exomes 0.00002 and 0.00005; ExAC 0.00006.
gnomAD v4.1: 34 of 1,614,182 alleles (0.0021%); highest among the groups gnomAD compares: South Asian, 0.027%; no homozygotes.

Submissions (3):

Labcorp Genetics (formerly Invitae), Labcorp
Classification: Likely benign for Amyotrophic lateral sclerosis type 1; Neuronopathy, distal hereditary motor, type 7B; Perry syndrome. Last evaluated: 2024-12-02. Review status: criteria provided, single submitter. Criteria: Invitae Variant Classification Sherloc (09022015). Collection method: clinical testing. Allele origin: germline.

Ambry Genetics
Classification: Likely benign for Inborn genetic diseases. Last evaluated: 2021-02-05. Review status: criteria provided, single submitter. Criteria: Ambry Variant Classification Scheme 2023. Collection method: clinical testing. Allele origin: germline.

PreventionGenetics, part of Exact Sciences
Classification: Uncertain significance for DCTN1-related condition. Last evaluated: 2023-11-01. Review status: no assertion criteria provided. Collection method: clinical testing. Allele origin: germline. Not counted in ClinVar's aggregate classification.
Comment: The DCTN1 c.3158C>T variant is predicted to result in the amino acid substitution p.Pro1053Leu. To our knowledge, this variant has not been reported in the literature. This variant is reported in 0.039% of alleles in individuals of South Asian descent in gnomAD. At this time, the clinical significance of this variant is uncertain due to the absence of conclusive functional and genetic evidence.

NM_004082.5(DCTN1):c.3158C>T (p.Pro1053Leu)

Gene: DCTN1 (dynactin subunit 1; minus strand). Cytogenetic location: 2p13.1.
Variant type: single nucleotide variant.
Coding change: c.3158C>T on transcript NM_004082.5 (MANE Select); coding-DNA position 3158, C replaced by T.
Protein change: p.Pro1053Leu; replaces proline 1053 with leucine.
Molecular consequence: missense variant. On other transcripts: non-coding transcript variant (1).
Genome position (GRCh38, 1-based): chr2:74,365,113, G>A on the plus strand (C>T on the coding strand, the complement: DCTN1 is on the minus strand). VCF-style: chr2-74365113-G-A. GRCh37 (hg19) VCF-style: chr2-74592240-G-A.
Other names: c.3098C>T, p.Pro1033Leu (NM_001135040.3); c.2756C>T, p.Pro919Leu (NM_001135041.3, NM_023019.4); c.3047C>T, p.Pro1016Leu (NM_001190836.2); c.3137C>T, p.Pro1046Leu (NM_001190837.2); c.3107C>T, p.Pro1036Leu (NM_001378991.1); c.3089C>T, p.Pro1030Leu (NM_001378992.1); short protein forms P1033L, P1046L, P1053L, P919L, P1016L, P1030L, P1036L.
Identifiers: ClinVar variation 655129 (VCV000655129.12), dbSNP rs752079233, ClinGen allele CA1721610.